The following is an entry in ClinVar:

ClinVar aggregate classification (germline): Uncertain significance (1 of 4 stars; one submission).

gnomAD v4.1: 1 of 1,613,604 alleles (0.000062%); highest among the groups gnomAD compares: African/African-American, 0.0013%; no homozygotes.

Submission:

GeneDx
Classification: Uncertain significance. Last evaluated: 2026-03-02. Review status: criteria provided, single submitter. Criteria: GeneDx Variant Classification Process June 2021. Collection method: clinical testing. Allele origin: germline.
Comment: Not observed at significant frequency in large population cohorts (gnomAD); In silico analysis supports that this missense variant has a deleterious effect on protein structure/function; Has not been previously published as pathogenic or benign to our knowledge

NM_145262.4(GLYCTK):c.274G>A (p.Gly92Ser)

Gene: GLYCTK (glycerate kinase; plus strand). Cytogenetic location: 3p21.2.
Variant type: single nucleotide variant.
Coding change: c.274G>A on transcript NM_145262.4 (MANE Select); coding-DNA position 274, G replaced by A.
Protein change: p.Gly92Ser; replaces glycine 92 with serine.
Molecular consequence: missense variant. On other transcripts: non-coding transcript variant (5).
Genome position (GRCh38, 1-based): chr3:52,290,616, G>A. VCF-style: chr3-52290616-G-A. GRCh37 (hg19) VCF-style: chr3-52324632-G-A.
Other names: c.274G>A, p.Gly92Ser (NM_001144951.2, NM_001437621.1, NM_001437622.1); short protein forms G92S.
Identifiers: ClinVar variation 5008245 (VCV005008245.1).